The following is an entry in ClinVar:

NM_004006.3(DMD):c.5693A>C (p.Lys1898Thr)

Gene: DMD (dystrophin; minus strand). Cytogenetic location: Xp21.1.
Variant type: single nucleotide variant.
Coding change: c.5693A>C on transcript NM_004006.3 (MANE Select); coding-DNA position 5693, A replaced by C.
Protein change: p.Lys1898Thr; replaces lysine 1898 with threonine.
Molecular consequence: missense variant.
Genome position (GRCh38, 1-based): chrX:32,343,180, T>G on the plus strand (A>C on the coding strand, the complement: DMD is on the minus strand). VCF-style: chrX-32343180-T-G. GRCh37 (hg19) VCF-style: chrX-32361297-T-G.
Other names: c.5693A>C (NM_004006.2); c.5669A>C, p.Lys1890Thr (NM_000109.4); c.5681A>C, p.Lys1894Thr (NM_004009.3); c.5324A>C, p.Lys1775Thr (NM_004010.3); c.1670A>C, p.Lys557Thr (NM_004011.4); c.1661A>C, p.Lys554Thr (NM_004012.4); short protein forms K1898T, K554T, K557T, K1775T, K1890T, K1894T.
Identifiers: ClinVar variation 197413 (VCV000197413.8), dbSNP rs794727662, ClinGen allele CA245525.

ClinVar aggregate classification (germline): Uncertain significance. Review status: criteria provided, multiple submitters, no conflicts (2 of 4 stars). 3 submissions from 3 submitters: Uncertain significance (3). Last evaluated 2026-02-22.

Conditions:
Cardiovascular phenotype. Identifiers: MedGen CN230736.
Duchenne muscular dystrophy (DMD). Also called: MUSCULAR DYSTROPHY, PSEUDOHYPERTROPHIC PROGRESSIVE, DUCHENNE TYPE; Duchenne Muscular Dystrophy (DMD). Identifiers: Orphanet 98896, MedGen C0013264, MONDO:0010679, OMIM 310200.

Submissions (3):

Ambry Genetics
Classification: Uncertain significance for Cardiovascular phenotype. Last evaluated: 2026-02-22. Review status: criteria provided, single submitter. Criteria: Ambry Variant Classification Scheme 2023. Collection method: clinical testing. Allele origin: germline.
Comment: The p.K1898T variant (also known as c.5693A>C), located in coding exon 40 of the DMD gene, results from an A to C substitution at nucleotide position 5693. The lysine at codon 1898 is replaced by threonine, an amino acid with similar properties. This amino acid position is conserved. In addition, this alteration is predicted to be tolerated by in silico analysis. Based on the available evidence, the clinical significance of this variant remains unclear.

Labcorp Genetics (formerly Invitae), Labcorp
Classification: Uncertain significance for Duchenne muscular dystrophy. Last evaluated: 2024-12-09. Review status: criteria provided, single submitter. Criteria: Invitae Variant Classification Sherloc (09022015). Collection method: clinical testing. Allele origin: germline.
Comment: This sequence change replaces lysine, which is basic and polar, with threonine, which is neutral and polar, at codon 1898 of the DMD protein (p.Lys1898Thr). This variant is not present in population databases (gnomAD no frequency). This variant has not been reported in the literature in individuals affected with DMD-related conditions. ClinVar contains an entry for this variant (Variation ID: 197413). Invitae Evidence Modeling of protein sequence and biophysical properties (such as structural, functional, and spatial information, amino acid conservation, physicochemical variation, residue mobility, and thermodynamic stability) indicates that this missense variant is not expected to disrupt DMD protein function with a negative predictive value of 95%. In summary, the available evidence is currently insufficient to determine the role of this variant in disease. Therefore, it has been classified as a Variant of Uncertain Significance.

Eurofins Ntd Llc (ga)
Classification: Uncertain significance. Last evaluated: 2015-05-29. Review status: criteria provided, single submitter. Criteria: EGL Classification Definitions 2015. Collection method: clinical testing. Allele origin: germline. Observed: 1 variant allele, 1 hemizygote.